The following is an entry in ClinVar:

ClinVar aggregate classification (germline): Uncertain significance. Review status: criteria provided, multiple submitters, no conflicts (2 of 4 stars). 2 submissions from 2 submitters: Uncertain significance (2). Last evaluated 2025-08-29.

Conditions:
Hereditary cancer-predisposing syndrome. Also called: Tumor predisposition; Neoplastic Syndromes, Hereditary; Hereditary Cancer Syndrome; Hereditary neoplastic syndrome. Identifiers: Orphanet 140162, MedGen C0027672, MeSH D009386, MONDO:0015356.
POLD1-related polyposis and colorectal cancer syndrome (CRCS10). Also called: Colorectal cancer 10; COLORECTAL CANCER, SUSCEPTIBILITY TO, ON CHROMOSOME 19q; Colorectal cancer, susceptibility to, 10. Identifiers: Orphanet 220460, MedGen C2675481, MONDO:0012953, OMIM 612591.

Submissions (2):

Labcorp Genetics (formerly Invitae), Labcorp
Classification: Uncertain significance for POLD1-related polyposis and colorectal cancer syndrome. Last evaluated: 2025-08-29. Review status: criteria provided, single submitter. Criteria: Invitae Variant Classification Sherloc (09022015). Collection method: clinical testing. Allele origin: germline.
Comment: This sequence change replaces proline, which is neutral and non-polar, with serine, which is neutral and polar, at codon 329 of the POLD1 protein (p.Pro329Ser). This variant is not present in population databases (gnomAD no frequency). This variant has not been reported in the literature in individuals affected with POLD1-related conditions. ClinVar contains an entry for this variant (Variation ID: 573061). Invitae Evidence Modeling of protein sequence and biophysical properties (such as structural, functional, and spatial information, amino acid conservation, physicochemical variation, residue mobility, and thermodynamic stability) indicates that this missense variant is not expected to disrupt POLD1 protein function with a negative predictive value of 80%. In summary, the available evidence is currently insufficient to determine the role of this variant in disease. Therefore, it has been classified as a Variant of Uncertain Significance.

Ambry Genetics
Classification: Uncertain significance for Hereditary cancer-predisposing syndrome. Last evaluated: 2023-06-21. Review status: criteria provided, single submitter. Criteria: Ambry Variant Classification Scheme 2023. Collection method: clinical testing. Allele origin: germline.
Comment: The p.P329S variant (also known as c.985C>T), located in coding exon 8 of the POLD1 gene, results from a C to T substitution at nucleotide position 985. The proline at codon 329 is replaced by serine, an amino acid with similar properties. This amino acid position is well conserved in available vertebrate species. In addition, this alteration is predicted to be tolerated by in silico analysis. Since supporting evidence is limited at this time, the clinical significance of this alteration remains unclear.

NM_002691.4(POLD1):c.985C>T (p.Pro329Ser)

Gene: POLD1 (DNA polymerase delta 1, catalytic subunit; plus strand). Cytogenetic location: 19q13.33.
Variant type: single nucleotide variant.
Coding change: c.985C>T on transcript NM_002691.4 (MANE Select); coding-DNA position 985, C replaced by T.
Protein change: p.Pro329Ser; replaces proline 329 with serine.
Molecular consequence: missense variant. On other transcripts: non-coding transcript variant (1).
Genome position (GRCh38, 1-based): chr19:50,403,067, C>T. VCF-style: chr19-50403067-C-T. GRCh37 (hg19) VCF-style: chr19-50906324-C-T.
Other names: c.985C>T, p.Pro329Ser (NM_001256849.1, NM_001308632.1); short protein forms P329S.
Identifiers: ClinVar variation 573061 (VCV000573061.15), dbSNP rs1568622018, ClinGen allele CA406977771.